The following is an entry in ClinVar:

NM_020631.6(PLEKHG5):c.2127_2162dup (p.Glu720_Glu721insAspGluGlnGluGluGluGluGluGluGluGluGlu)

Gene: PLEKHG5 (pleckstrin homology and RhoGEF domain containing G5; minus strand). Cytogenetic location: 1p36.31.
Variant type: Duplication.
Coding change: c.2127_2162dup on transcript NM_020631.6 (MANE Select); coding-DNA positions 2127 to 2162, 36 bases duplicated.
Protein change: p.Glu720_Glu721insAspGluGlnGluGluGluGluGluGluGluGluGlu.
Molecular consequence: inframe insertion. On other transcripts: inframe indel (5).
Genome position (GRCh38, 1-based): chr1:6,469,129-6,469,164, 36 bases duplicated; duplicating any 36 consecutive bases within chr1:6,469,129-6,469,175 gives the same sequence; the c. name uses the placement nearest the transcript's 3' end. GRCh37 (hg19): chr1:6,529,200-6,529,235.
Other names: c.2238_2273dup, p.Glu757_Glu758insAspGluGlnGluGluGluGluGluGluGluGluGlu (NM_001042663.3, NM_001265592.2); c.2116_2151dup, p.Glu720_Glu721insAspGluGlnGluGluGluGluGluGluGluGluGlu (NM_001042664.2, NM_001042665.2, NM_001265594.3); c.2323_2358dup, p.Glu789_Glu790insAspGluGlnGluGluGluGluGluGluGluGluGlu (NM_001265593.2); c.2127_2162dup, p.Glu720_Glu721insAspGluGlnGluGluGluGluGluGluGluGluGlu (NM_198681.4); c.2127_2162dupTGAGCAGGAGGAGGAAGAGGAGGAGGAGGAGGAGGA (NM_020631.3).
Identifiers: ClinVar variation 506401 (VCV000506401.7), dbSNP rs1553173380, ClinGen allele CA658795382.
Genomic context (GRCh38, chr1:6,469,128, plus strand): 5'-GCTTTTCCGCATGATGGTAGGGGAGCTGGCAGCTGAAGTGCCACTGTCCTCGCCTTCCTC[C>CTCCTCCTCCTCCTCCTCCTCTTCCTCCTCCTGCTCA]TCCTCCTCCTCCTCCTCCTCTTCCTCCTCCTGCTCATCCTCCTCCTCTTCCAGGCTCTGC-3'

ClinVar aggregate classification (germline): Uncertain significance. Review status: criteria provided, multiple submitters, no conflicts (2 of 4 stars). 2 submissions from 2 submitters: Uncertain significance (2). Last evaluated 2025-08-05.

Conditions:
Inborn genetic diseases. Identifiers: MedGen C0950123, MeSH D030342.

Submissions (2):

GeneDx
Classification: Uncertain significance. Last evaluated: 2025-08-05. Review status: criteria provided, single submitter. Criteria: GeneDx Variant Classification Process June 2021. Collection method: clinical testing. Allele origin: germline. Affected: yes.
Comment: Not observed at significant frequency in large population cohorts (gnomAD); In-frame duplication of 12 amino acid(s) in a repetitive region with no known function; Has not been previously published as pathogenic or benign to our knowledge

Ambry Genetics
Classification: Uncertain significance for Inborn genetic diseases. Last evaluated: 2020-08-08. Review status: criteria provided, single submitter. Criteria: Ambry Variant Classification Scheme 2023. Collection method: clinical testing. Allele origin: germline.
Comment: The c.2127_2162dup36 variant (also known as p.D709_E720dup), located in coding exon 18 of the PLEKHG5 gene, results from an in-frame duplication of 36 nucleotides at nucleotide positions 2127 to 2162. This results in the duplication of 12 extra residues (DEQEEEEEEEEE) between codons 709 and 720. This amino acid region is not well conserved in available vertebrate species. In addition, this alteration is predicted to be deleterious by in silico analysis (Choi Y et al. PLoS ONE. 2012; 7(10):e46688). Since supporting evidence is limited at this time, the clinical significance of this alteration remains unclear.